The following is an entry in ClinVar:

ClinVar aggregate classification (germline): Uncertain significance (1 of 4 stars; one submission).

Conditions:
Ehlers-Danlos syndrome, classic type, 1 (EDSCL1). Also called: Ehlers-Danlos syndrome, type 1; Ehlers-Danlos Syndrome, Classic Type, COL5A1-Related; EDS I; EHLERS-DANLOS SYNDROME, GRAVIS TYPE; EHLERS-DANLOS SYNDROME, SEVERE CLASSIC TYPE. Identifiers: MedGen C0268335, MONDO:0019567, OMIM 130000.

Submission:

Labcorp Genetics (formerly Invitae), Labcorp
Classification: Uncertain significance for Ehlers-Danlos syndrome, classic type, 1. Last evaluated: 2022-06-13. Review status: criteria provided, single submitter. Criteria: Invitae Variant Classification Sherloc (09022015). Collection method: clinical testing. Allele origin: germline.
Comment: In summary, the available evidence is currently insufficient to determine the role of this variant in disease. Therefore, it has been classified as a Variant of Uncertain Significance. Algorithms developed to predict the effect of missense changes on protein structure and function are either unavailable or do not agree on the potential impact of this missense change (SIFT: "Deleterious"; PolyPhen-2: "Not Available"; Align-GVGD: "Class C0"). ClinVar contains an entry for this variant (Variation ID: 858413). This variant has not been reported in the literature in individuals affected with COL5A1-related conditions. This variant is not present in population databases (gnomAD no frequency). This sequence change replaces glycine, which is neutral and non-polar, with aspartic acid, which is acidic and polar, at codon 1652 of the COL5A1 protein (p.Gly1652Asp).

NM_000093.5(COL5A1):c.4955G>A (p.Gly1652Asp)

Genes: COL5A1 (collagen type V alpha 1 chain; plus strand), LOC101448202 (uncharacterized LOC101448202; minus strand). Cytogenetic location: 9q34.3.
Variant type: single nucleotide variant.
Coding change: c.4955G>A on transcript NM_000093.5 (MANE Select); coding-DNA position 4955, G replaced by A.
Protein change: p.Gly1652Asp; replaces glycine 1652 with aspartic acid.
Molecular consequence: missense variant.
Genome position (GRCh38, 1-based): chr9:134,825,792, G>A. VCF-style: chr9-134825792-G-A. GRCh37 (hg19) VCF-style: chr9-137717638-G-A.
Other names: c.4955G>A, p.Gly1652Asp (NM_001278074.1); short protein forms G1652D.
Identifiers: ClinVar variation 858413 (VCV000858413.11), dbSNP rs1206652736, ClinGen allele CA375458813.